The following is an entry in ClinVar:

NM_005909.5(MAP1B):c.4013A>T (p.Gln1338Leu)

Gene: MAP1B (microtubule associated protein 1B; plus strand). Cytogenetic location: 5q13.2.
Variant type: single nucleotide variant.
Coding change: c.4013A>T on transcript NM_005909.5 (MANE Select); coding-DNA position 4013, A replaced by T.
Protein change: p.Gln1338Leu; replaces glutamine 1338 with leucine.
Molecular consequence: missense variant.
Genome position (GRCh38, 1-based): chr5:72,197,368, A>T. VCF-style: chr5-72197368-A-T. GRCh37 (hg19) VCF-style: chr5-71493195-A-T.
Other names: c.3635A>T, p.Gln1212Leu (NM_001324255.2); short protein forms Q1212L, Q1338L.
Identifiers: ClinVar variation 5017517 (VCV005017517.1).
Genomic context (GRCh38, chr5:72,197,368, plus strand): 5'-TGGAAGTGGTGTCACCATCTCAGTCCGTGACTGGCAGTGCTGGTCACACACCTTACTATC[A>T]ATCTCCTACTGACGAGAAATCCAGTCATCTCCCTACAGAAGTCATTGAAAAACCACCAGC-3'
Protein context (NP_005900.2, residues 1328-1348): TGSAGHTPYY[Gln1338Leu]SPTDEKSSHL

ClinVar aggregate classification (germline): Uncertain significance (1 of 4 stars; one submission).

gnomAD v4.1: 1 of 1,614,170 alleles (0.000062%); highest among the groups gnomAD compares: African/African-American, 0.0013%; no homozygotes.

Submission:

GeneDx
Classification: Uncertain significance. Last evaluated: 2026-03-25. Review status: criteria provided, single submitter. Criteria: GeneDx Variant Classification Process June 2021. Collection method: clinical testing. Allele origin: germline.
Comment: Not observed at significant frequency in large population cohorts (gnomAD); In silico analysis supports that this missense variant has a deleterious effect on protein structure/function; Has not been previously published as pathogenic or benign to our knowledge